The following is an entry in ClinVar:

ClinVar aggregate classification (germline): Conflicting classifications of pathogenicity. Review status: criteria provided, conflicting classifications (1 of 4 stars). 2 submissions from 2 submitters: Pathogenic (1); Uncertain significance (1). Last evaluated 2022-07-19.

Conditions:
Houge-Janssens syndrome 3. Also called: NEURODEVELOPMENTAL DISORDER AND LANGUAGE DELAY WITH OR WITHOUT STRUCTURAL BRAIN ABNORMALITIES. Identifiers: MedGen C5193048, MONDO:0032697, OMIM 618354.

Submissions (2):

Labcorp Genetics (formerly Invitae), Labcorp
Classification: Uncertain significance. Last evaluated: 2022-07-19. Review status: criteria provided, single submitter. Criteria: Invitae Variant Classification Sherloc (09022015). Collection method: clinical testing. Allele origin: germline.
Comment: In summary, the available evidence is currently insufficient to determine the role of this variant in disease. Therefore, it has been classified as a Variant of Uncertain Significance. Algorithms developed to predict the effect of missense changes on protein structure and function are either unavailable or do not agree on the potential impact of this missense change (SIFT: "Deleterious"; PolyPhen-2: "Probably Damaging"; Align-GVGD: "Class C0"). ClinVar contains an entry for this variant (Variation ID: 1683783). This variant has not been reported in the literature in individuals affected with PPP2CA-related conditions. This variant is not present in population databases (gnomAD no frequency). This sequence change replaces histidine, which is basic and polar, with arginine, which is basic and polar, at codon 118 of the PPP2CA protein (p.His118Arg).

Laboratory of Human Genetics, Universidade de São Paulo
Classification: Pathogenic for Houge-Janssens syndrome 3. Last evaluated: 2022-05-13. Review status: criteria provided, single submitter. Criteria: ACMG Guidelines, 2015. Collection method: research. Allele origin: de novo. Affected: yes. Observed: 1 heterozygote.
Comment: This variant meets our criteria to be classified as pathogenic based upon segregation studies, absence from controls, and in-silico evaluation of pathogenicity.

NM_002715.4(PPP2CA):c.353A>G (p.His118Arg)

Gene: PPP2CA (protein phosphatase 2 catalytic subunit alpha; minus strand). Cytogenetic location: 5q31.1.
Variant type: single nucleotide variant.
Coding change: c.353A>G on transcript NM_002715.4 (MANE Select); coding-DNA position 353, A replaced by G.
Protein change: p.His118Arg; replaces histidine 118 with arginine.
Molecular consequence: missense variant. On other transcripts: non-coding transcript variant (1).
Genome position (GRCh38, 1-based): chr5:134,201,981, T>C on the plus strand (A>G on the coding strand, the complement: PPP2CA is on the minus strand). VCF-style: chr5-134201981-T-C. GRCh37 (hg19) VCF-style: chr5-133537672-T-C.
Other names: c.158A>G, p.His53Arg (NM_001355019.2); short protein forms H118R, H53R.
Identifiers: ClinVar variation 1683783 (VCV001683783.7), dbSNP rs2149383419, ClinGen allele CA360993205.